The following is an entry in ClinVar:

ClinVar aggregate classification (germline): Uncertain significance (1 of 4 stars; one submission).

gnomAD v4.1: 20 of 1,613,550 alleles (0.0012%); highest among the groups gnomAD compares: Admixed American, 0.0067%; no homozygotes.

Submission:

Labcorp Genetics (formerly Invitae), Labcorp
Classification: Uncertain significance. Last evaluated: 2023-09-13. Review status: criteria provided, single submitter. Criteria: Invitae Variant Classification Sherloc (09022015). Collection method: clinical testing. Allele origin: germline.
Comment: This sequence change replaces threonine, which is neutral and polar, with isoleucine, which is neutral and non-polar, at codon 65 of the TBCE protein (p.Thr65Ile). This variant is present in population databases (no rsID available, gnomAD 0.01%). This variant has not been reported in the literature in individuals affected with TBCE-related conditions. ClinVar contains an entry for this variant (Variation ID: 1409783). Advanced modeling of protein sequence and biophysical properties (such as structural, functional, and spatial information, amino acid conservation, physicochemical variation, residue mobility, and thermodynamic stability) performed at Invitae indicates that this missense variant is expected to disrupt TBCE protein function. In summary, the available evidence is currently insufficient to determine the role of this variant in disease. Therefore, it has been classified as a Variant of Uncertain Significance.

NM_003193.5(TBCE):c.194C>T (p.Thr65Ile)

Gene: TBCE (tubulin folding cofactor E; plus strand). Cytogenetic location: 1q42.3.
Variant type: single nucleotide variant.
Coding change: c.194C>T on transcript NM_003193.5 (MANE Select); coding-DNA position 194, C replaced by T.
Protein change: p.Thr65Ile; replaces threonine 65 with isoleucine.
Molecular consequence: missense variant. On other transcripts: 5 prime UTR variant (1).
Genome position (GRCh38, 1-based): chr1:235,414,441, C>T. VCF-style: chr1-235414441-C-T. GRCh37 (hg19) VCF-style: chr1-235577756-C-T.
Other names: c.194C>T, p.Thr65Ile (NM_001079515.3, NM_001287801.2); c.-202C>T (NM_001287802.2); short protein forms T65I.
Identifiers: ClinVar variation 1409783 (VCV001409783.4), dbSNP rs144747353, ClinGen allele CA39569276.
Genomic context (GRCh38, chr1:235,414,441, plus strand): 5'-GCCTTTCTTGGTGGGTAATATTTTCTGTGTTTCATTTGCTCTTCTTTACCAGGCACCCGA[C>T]AGGAGGATCCTTTATTCGTCCGAACAAGGTAAATTTTGGAACAGACTTTCTTACTGCAAT-3'
Protein context (NP_003184.1, residues 55-75): GTVYFKCRHP[Thr65Ile]GGSFIRPNKV